The following is an entry in ClinVar:

NM_001375524.1(TRRAP):c.8268G>A (p.Ala2756=)

Gene: TRRAP (transformation/transcription domain associated protein; plus strand). Cytogenetic location: 7q22.1.
Variant type: single nucleotide variant.
Coding change: c.8268G>A on transcript NM_001375524.1 (MANE Select); coding-DNA position 8268, G replaced by A.
Protein change: p.Ala2756=; no amino-acid change (alanine 2756 retained).
Molecular consequence: synonymous variant.
Genome position (GRCh38, 1-based): chr7:98,976,959, G>A. VCF-style: chr7-98976959-G-A. GRCh37 (hg19) VCF-style: chr7-98574582-G-A.
Other names: c.8193G>A (NM_003496.3); c.8247G>A, p.Ala2749= (NM_001244580.2); c.8193G>A, p.Ala2731= (NM_003496.4).
Identifiers: ClinVar variation 2957434 (VCV002957434.4), dbSNP rs759369634, ClinGen allele CA4361390.

ClinVar aggregate classification (germline): Benign/Likely benign. Review status: criteria provided, multiple submitters, no conflicts (2 of 4 stars). 2 submissions from 2 submitters: Benign (1); Likely benign (1). Last evaluated 2025-12-29.

Conditions:
TRRAP-related disorder. Also called: TRRAP-related condition.

Allele frequency attached by ClinVar (database versions not stated): gnomAD exomes 0.00001; gnomAD 0.00003; TOPMed 0.00005; ExAC 0.00007.
gnomAD v4.1: 22 of 1,614,020 alleles (0.0014%); highest among the groups gnomAD compares: East Asian, 0.036%; no homozygotes.

Submissions (2):

PreventionGenetics, part of Exact Sciences
Classification: Likely benign for TRRAP-related condition. Last evaluated: 2025-12-29. Review status: criteria provided, single submitter. Criteria: ACMG Guidelines, 2015. Collection method: clinical testing. Allele origin: germline.
Comment: This variant is classified as likely benign based on ACMG/AMP sequence variant interpretation guidelines (Richards et al. 2015 PMID: 25741868, with internal and published modifications).

Labcorp Genetics (formerly Invitae), Labcorp
Classification: Benign. Last evaluated: 2025-03-18. Review status: criteria provided, single submitter. Criteria: Invitae Variant Classification Sherloc (09022015). Collection method: clinical testing. Allele origin: germline.